The following is an entry in ClinVar:

ClinVar aggregate classification (germline): Uncertain significance (1 of 4 stars; one submission).

Conditions:
Pyridoxine-dependent epilepsy (EPEO4). Also called: PYRIDOXINE DEPENDENCY WITH SEIZURES; Pyridoxine-Dependent Epilepsy - ALDH7A1; EPILEPSY, EARLY-ONSET, 4, VITAMIN B6-DEPENDENT; Pyridoxine-Dependent Seizures. Identifiers: Orphanet 3006, MedGen C1849508, MONDO:0009945, OMIM 266100. Disease mechanism: loss of function.

Allele frequency attached by ClinVar (database versions not stated): gnomAD exomes 0.00001; TOPMed 0.00002.
gnomAD v4.1: 6 of 1,552,292 alleles (0.00039%); highest among the groups gnomAD compares: African/African-American, 0.0055%; no homozygotes.

Submission:

Labcorp Genetics (formerly Invitae), Labcorp
Classification: Uncertain significance for Pyridoxine-dependent epilepsy. Last evaluated: 2022-06-01. Review status: criteria provided, single submitter. Criteria: Invitae Variant Classification Sherloc (09022015). Collection method: clinical testing. Allele origin: germline.
Comment: This sequence change replaces arginine, which is basic and polar, with proline, which is neutral and non-polar, at codon 6 of the ALDH7A1 protein (p.Arg6Pro). This variant is present in population databases (no rsID available, gnomAD 0.002%). This variant has not been reported in the literature in individuals affected with ALDH7A1-related conditions. ClinVar contains an entry for this variant (Variation ID: 999791). Advanced modeling of protein sequence and biophysical properties (such as structural, functional, and spatial information, amino acid conservation, physicochemical variation, residue mobility, and thermodynamic stability) performed at Invitae indicates that this missense variant is not expected to disrupt ALDH7A1 protein function. In summary, the available evidence is currently insufficient to determine the role of this variant in disease. Therefore, it has been classified as a Variant of Uncertain Significance.

NM_001182.5(ALDH7A1):c.17G>C (p.Arg6Pro)

Gene: ALDH7A1 (aldehyde dehydrogenase 7 family member A1; minus strand). Cytogenetic location: 5q23.2.
Variant type: single nucleotide variant.
Coding change: c.17G>C on transcript NM_001182.5 (MANE Select); coding-DNA position 17, G replaced by C.
Protein change: p.Arg6Pro; replaces arginine 6 with proline.
Molecular consequence: missense variant. On other transcripts: 5 prime UTR variant (1).
Genome position (GRCh38, 1-based): chr5:126,595,182, C>G on the plus strand (G>C on the coding strand, the complement: ALDH7A1 is on the minus strand). VCF-style: chr5-126595182-C-G. GRCh37 (hg19) VCF-style: chr5-125930874-C-G.
Other names: c.-68G>C (NM_001201377.2); c.17G>C, p.Arg6Pro (NM_001202404.2); short protein forms R6P.
Identifiers: ClinVar variation 999791 (VCV000999791.6), dbSNP rs966540476, ClinGen allele CA126927697.